The following is an entry in ClinVar:

NM_000059.4(BRCA2):c.8594T>A (p.Leu2865Ter)

Gene: BRCA2 (BRCA2 DNA repair associated; plus strand). Cytogenetic location: 13q13.1.
Variant type: single nucleotide variant.
Coding change: c.8594T>A on transcript NM_000059.4 (MANE Select); coding-DNA position 8594, T replaced by A.
Protein change: p.Leu2865Ter; replaces leucine 2865 with a stop codon.
Molecular consequence: nonsense.
Genome position (GRCh38, 1-based): chr13:32,371,062, T>A. VCF-style: chr13-32371062-T-A. GRCh37 (hg19) VCF-style: chr13-32945199-T-A.
Other names: short protein forms L2865*.
Identifiers: ClinVar variation 52630 (VCV000052630.4), dbSNP rs80359118, ClinGen allele CA025729.

ClinVar aggregate classification (germline): Pathogenic. Review status: reviewed by expert panel (3 of 4 stars). 2 submissions from 2 submitters: Pathogenic (1). 1 of the submissions does not count toward it. Last evaluated 2016-09-08.

Conditions:
Breast-ovarian cancer, familial, susceptibility to, 2 (BROVCA2). Also called: BRCA2 Hereditary Breast and Ovarian Cancer. Identifiers: Orphanet 145, MedGen C2675520, MONDO:0012933, OMIM 612555. Disease mechanism: loss of function.

Submissions (2):

Evidence-based Network for the Interpretation of Germline Mutant Alleles (ENIGMA)
Classification: Pathogenic for Breast-ovarian cancer, familial, susceptibility to, 2. Last evaluated: 2016-09-08. Review status: reviewed by expert panel. Criteria: ENIGMA BRCA1/2 Classification Criteria (2015). Collection method: curation. Allele origin: germline.
Comment: Variant allele predicted to encode a truncated non-functional protein.

Breast Cancer Information Core (BIC) (BRCA2)
Classification: Pathogenic for Breast-ovarian cancer, familial 2. Last evaluated: 1997-11-13. Review status: no assertion criteria provided. Collection method: clinical testing. Allele origin: germline. Affected: yes. Observed: 1 variant allele. Not counted in ClinVar's aggregate classification.